The following is an entry in ClinVar:

ClinVar aggregate classification (germline): Benign. Review status: criteria provided, multiple submitters, no conflicts (2 of 4 stars). 6 submissions from 6 submitters: Benign (5). 1 of the submissions does not count toward it. Last evaluated 2025-04-09.

Conditions:
TRIM63-related disorder. Also called: TRIM63-related condition.

Allele frequency attached by ClinVar (database versions not stated): ESP Exome Variant Server 0.00092; gnomAD exomes 0.00282 and 0.01055; gnomAD 0.00546 and 0.00576; TOPMed 0.00966; ExAC 0.01007; 1000 Genomes Project 30x 0.01187; 1000 Genomes Project 0.01218.
gnomAD v4.1: 4,932 of 1,593,200 alleles (0.31%); highest among the groups gnomAD compares: Admixed American, 6.5%; 167 homozygotes.

Submissions (6):

Molecular Diagnostic Laboratory for Inherited Cardiovascular Disease, Montreal Heart Institute
Classification: Benign. Last evaluated: 2025-04-09. Review status: criteria provided, single submitter. Criteria: ACMG Guidelines, 2015. Collection method: clinical testing. Allele origin: germline. Affected: no.

Women's Health and Genetics/Laboratory Corporation of America, LabCorp
Classification: Benign. Last evaluated: 2023-04-17. Review status: criteria provided, single submitter. Criteria: LabCorp Variant Classification Summary - May 2015. Collection method: clinical testing. Allele origin: germline.

Mayo Clinic Laboratories, Mayo Clinic
Classification: Benign. Last evaluated: 2022-04-26. Review status: criteria provided, single submitter. Criteria: ACMG Guidelines, 2015. Collection method: clinical testing. Allele origin: germline. Observed: 23 variant alleles.

GeneDx
Classification: Benign. Last evaluated: 2021-05-05. Review status: criteria provided, single submitter. Criteria: GeneDx Variant Classification Process June 2021. Collection method: clinical testing. Allele origin: germline. Affected: yes.

Breakthrough Genomics
Classification: Benign. Review status: criteria provided, single submitter. Criteria: ACMG Guidelines, 2015. Collection method: not provided. Allele origin: germline. Inheritance: Unknown mechanism. Affected: yes.

PreventionGenetics, part of Exact Sciences
Classification: Benign for TRIM63-related condition. Last evaluated: 2019-08-07. Review status: no assertion criteria provided. Collection method: clinical testing. Allele origin: germline. Not counted in ClinVar's aggregate classification.
Comment: This variant is classified as benign based on ACMG/AMP sequence variant interpretation guidelines (Richards et al. 2015 PMID: 25741868, with internal and published modifications).

NM_032588.4(TRIM63):c.1041G>A (p.Gly347=)

Gene: TRIM63 (tripartite motif containing 63; minus strand). Cytogenetic location: 1p36.11.
Variant type: single nucleotide variant.
Coding change: c.1041G>A on transcript NM_032588.4 (MANE Select); coding-DNA position 1041, G replaced by A.
Protein change: p.Gly347=; no amino-acid change (glycine 347 retained).
Molecular consequence: synonymous variant.
Genome position (GRCh38, 1-based): chr1:26,053,903, C>T on the plus strand (G>A on the coding strand, the complement: TRIM63 is on the minus strand). VCF-style: chr1-26053903-C-T. GRCh37 (hg19) VCF-style: chr1-26380394-C-T.
Other names: p.Gly347=.
Identifiers: ClinVar variation 1283076 (VCV001283076.7), dbSNP rs61749354, ClinGen allele CA699448.